The following is an entry in ClinVar:

ClinVar aggregate classification (germline): Uncertain significance (1 of 4 stars; one submission).

Conditions:
Joubert syndrome. Also called: Familial aplasia of the vermis; JOUBERT-BOLTSHAUSER SYNDROME. Identifiers: Orphanet 475, MedGen C5979921, MONDO:0018772.
Meckel-Gruber syndrome. Also called: Dysencephalia splachnocystica; DYSENCEPHALIA SPLANCHNOCYSTICA; GRUBER SYNDROME. Identifiers: Orphanet 564, MedGen C0265215, MONDO:0018921.

Submission:

Labcorp Genetics (formerly Invitae), Labcorp
Classification: Uncertain significance for Joubert syndrome; Meckel-Gruber syndrome. Last evaluated: 2022-08-22. Review status: criteria provided, single submitter. Criteria: Invitae Variant Classification Sherloc (09022015). Collection method: clinical testing. Allele origin: germline.
Comment: This sequence change replaces alanine, which is neutral and non-polar, with threonine, which is neutral and polar, at codon 993 of the CC2D2A protein (p.Ala993Thr). This variant is not present in population databases (gnomAD no frequency). This variant has not been reported in the literature in individuals affected with CC2D2A-related conditions. Algorithms developed to predict the effect of missense changes on protein structure and function output the following: SIFT: "Tolerated"; PolyPhen-2: "Benign"; Align-GVGD: "Class C0". The threonine amino acid residue is found in multiple mammalian species, which suggests that this missense change does not adversely affect protein function. In summary, the available evidence is currently insufficient to determine the role of this variant in disease. Therefore, it has been classified as a Variant of Uncertain Significance.

NM_001378615.1(CC2D2A):c.2977G>A (p.Ala993Thr)

Genes: CC2D2A (coiled-coil and C2 domain containing 2A; plus strand), FBXL5 (F-box and leucine rich repeat protein 5; minus strand). Cytogenetic location: 4p15.32.
Variant type: single nucleotide variant.
Coding change: c.2977G>A on transcript NM_001378615.1 (MANE Select); coding-DNA position 2977, G replaced by A.
Protein change: p.Ala993Thr; replaces alanine 993 with threonine.
Molecular consequence: missense variant.
Genome position (GRCh38, 1-based): chr4:15,560,585, G>A. VCF-style: chr4-15560585-G-A. GRCh37 (hg19) VCF-style: chr4-15562208-G-A.
Other names: c.2977G>A, p.Ala993Thr (NM_001080522.2); c.2830G>A, p.Ala944Thr (NM_001378617.1); short protein forms A944T, A993T.
Identifiers: ClinVar variation 1943408 (VCV001943408.2), dbSNP rs2475051617, ClinGen allele CA356413878.